The following is an entry in ClinVar:

NM_003801.4(GPAA1):c.1740C>T (p.Leu580=)

Gene: GPAA1 (glycosylphosphatidylinositol anchor attachment 1; plus strand). Cytogenetic location: 8q24.3.
Variant type: single nucleotide variant.
Coding change: c.1740C>T on transcript NM_003801.4 (MANE Select); coding-DNA position 1740, C replaced by T.
Protein change: p.Leu580=; no amino-acid change (leucine 580 retained).
Molecular consequence: synonymous variant.
Genome position (GRCh38, 1-based): chr8:144,085,999, C>T. VCF-style: chr8-144085999-C-T. GRCh37 (hg19) VCF-style: chr8-145140902-C-T.
Identifiers: ClinVar variation 2075936 (VCV002075936.28), dbSNP rs528572635, ClinGen allele CA4933248.

ClinVar aggregate classification (germline): Likely benign. Review status: criteria provided, multiple submitters, no conflicts (2 of 4 stars). 2 submissions from 2 submitters: Likely benign (2). Last evaluated 2023-10-13.

Allele frequency attached by ClinVar (database versions not stated): TOPMed below 0.00001; ExAC 0.00002; gnomAD exomes 0.00002; 1000 Genomes Project 0.00020; 1000 Genomes Project 30x 0.00031.
gnomAD v4.1: 24 of 1,610,172 alleles (0.0015%); highest among the groups gnomAD compares: Middle Eastern, 0.017%; no homozygotes.

Submissions (2):

Labcorp Genetics (formerly Invitae), Labcorp
Classification: Likely benign. Last evaluated: 2023-10-13. Review status: criteria provided, single submitter. Criteria: Invitae Variant Classification Sherloc (09022015). Collection method: clinical testing. Allele origin: germline.

CeGaT Center for Human Genetics Tuebingen
Classification: Likely benign. Last evaluated: 2022-12-01. Review status: criteria provided, single submitter. Criteria: CeGaT Center For Human Genetics Tuebingen Variant Classification Criteria Version 2. Collection method: clinical testing. Allele origin: germline. Affected: yes. Observed: 1 variant allele.
Comment: GPAA1: BP4, BP7